The following is an entry in ClinVar:

ClinVar aggregate classification (germline): Pathogenic (1 of 4 stars; one submission).

Conditions:
Cardiovascular phenotype. Identifiers: MedGen CN230736.

Submission:

Ambry Genetics
Classification: Pathogenic for Cardiovascular phenotype. Last evaluated: 2025-06-26. Review status: criteria provided, single submitter. Criteria: Ambry Variant Classification Scheme 2023. Collection method: clinical testing. Allele origin: germline.
Comment: The p.E761* pathogenic mutation (also known as c.2281G>T), located in coding exon 18 of the DMD gene, results from a G to T substitution at nucleotide position 2281. This changes the amino acid from a glutamic acid to a stop codon within coding exon 18. This variant was reported in individual(s) with features consistent with DMD-related dystrophinopathy (Sedl&aacute;ckov&aacute; J et al. Neuromuscul Disord, 2009 Nov;19:749-53). This variant is considered to be rare based on population cohorts in the Genome Aggregation Database (gnomAD). This alteration is expected to result in loss of function by premature protein truncation or nonsense-mediated mRNA decay. As such, this alteration is interpreted as a disease-causing mutation.

Literature cited by the submitters: PubMed 19783145.

NM_004006.3(DMD):c.2281G>T (p.Glu761Ter)

Gene: DMD (dystrophin; minus strand). Cytogenetic location: Xp21.1.
Variant type: single nucleotide variant.
Coding change: c.2281G>T on transcript NM_004006.3 (MANE Select); coding-DNA position 2281, G replaced by T.
Protein change: p.Glu761Ter; replaces glutamic acid 761 with a stop codon.
Molecular consequence: nonsense.
Genome position (GRCh38, 1-based): chrX:32,518,019, C>A on the plus strand (G>T on the coding strand, the complement: DMD is on the minus strand). VCF-style: chrX-32518019-C-A. GRCh37 (hg19) VCF-style: chrX-32536136-C-A.
Other names: c.2257G>T, p.Glu753Ter (NM_000109.4); c.2269G>T, p.Glu757Ter (NM_004009.3); c.1912G>T, p.Glu638Ter (NM_004010.3); short protein forms E638*, E753*, E757*, E761*.
Identifiers: ClinVar variation 4241383 (VCV004241383.1), dbSNP rs2148803919.